The following is an entry in ClinVar:

NM_004994.3(MMP9):c.1404C>T (p.Cys468=)

Gene: MMP9 (matrix metallopeptidase 9; plus strand). Cytogenetic location: 20q13.12.
Variant type: single nucleotide variant.
Coding change: c.1404C>T on transcript NM_004994.3 (MANE Select); coding-DNA position 1404, C replaced by T.
Protein change: p.Cys468=; no amino-acid change (cysteine 468 retained).
Molecular consequence: synonymous variant.
Genome position (GRCh38, 1-based): chr20:46,013,328, C>T. VCF-style: chr20-46013328-C-T. GRCh37 (hg19) VCF-style: chr20-44641967-C-T.
Identifiers: ClinVar variation 897685 (VCV000897685.12), dbSNP rs763688228, ClinGen allele CA9886733.

ClinVar aggregate classification (germline): Conflicting classifications of pathogenicity. Review status: criteria provided, conflicting classifications (1 of 4 stars). 2 submissions from 2 submitters: Uncertain significance (1); Likely benign (1). Last evaluated 2025-08-13.

Conditions:
Metaphyseal anadysplasia 2 (MANDP2). Also called: Metaphyseal anadysplasia 2, autosomal recessive. Identifiers: Orphanet 1040, MedGen C2751322, MONDO:0013113, OMIM 613073.

Allele frequency attached by ClinVar (database versions not stated): gnomAD exomes 0.00001 and 0.00002; ExAC 0.00002; TOPMed 0.00002; gnomAD 0.00003.
gnomAD v4.1: 25 of 1,613,544 alleles (0.0015%); highest among the groups gnomAD compares: South Asian, 0.0033%; no homozygotes.

Submissions (2):

Labcorp Genetics (formerly Invitae), Labcorp
Classification: Likely benign. Last evaluated: 2025-08-13. Review status: criteria provided, single submitter. Criteria: Invitae Variant Classification Sherloc (09022015). Collection method: clinical testing. Allele origin: germline.

Illumina Laboratory Services, Illumina
Classification: Uncertain significance for Metaphyseal anadysplasia 2. Last evaluated: 2017-04-28. Review status: criteria provided, single submitter. Criteria: ICSL Variant Classification Criteria 13 December 2019. Collection method: clinical testing. Allele origin: germline.
Comment: This variant was observed as part of a predisposition screen in an ostensibly healthy population. A literature search was performed for the gene, cDNA change, and amino acid change (where applicable). Publications were found based on this search. However, the evidence from the literature, in combination with allele frequency data from public databases where available, was not sufficient to rule this variant in or out of causing disease. Therefore, this variant is classified as a variant of unknown significance.

Literature cited by the submitters: PubMed 16631427 (cited by Illumina Laboratory Services, Illumina).